The following is an entry in ClinVar:

ClinVar aggregate classification (germline): Likely pathogenic (1 of 4 stars; one submission).

Allele frequency attached by ClinVar (database versions not stated): gnomAD exomes below 0.00001.
gnomAD v4.1: 1 of 1,567,422 alleles (0.000064%); highest among the groups gnomAD compares: Non-Finnish European, 0.000087%; no homozygotes.

Submission:

GeneDx
Classification: Likely pathogenic. Last evaluated: 2016-01-22. Review status: criteria provided, single submitter. Criteria: GeneDx Variant Classification (06012015). Collection method: clinical testing. Allele origin: germline. Affected: yes.
Comment: A novel c.3171+1 G>A variant that is likely pathogenic has been identified in the ATR gene. The c.3171+1 G>A variant has not been published as a pathogenic variant, nor has it been reported as a benign variant to our knowledge. It was not observed in approximately 6,300 individuals of European and African American ancestry in the NHLBI Exome Sequencing Project, indicating it is not a common benign variant in these populations. The c.3171+1 G>A splice site variant in the ATR gene destroys the canonical splice donor site in intron 15. It is predicted to cause abnormal gene splicing, either leading to an abnormal message that is subject to nonsense-mediated mRNA decay, or to an abnormal protein product if the message is used for protein translation. However, in the absence of RNA/functional studies, the actual effect of this sequence change is unknown. Therefore, this variant is likely pathogenic; however, the possibility that it is benign cannot be excluded.

NM_001184.4(ATR):c.3171+1G>A

Gene: ATR (ATR checkpoint kinase; minus strand). Cytogenetic location: 3q23.
Variant type: single nucleotide variant.
Coding change: c.3171+1G>A on transcript NM_001184.4 (MANE Select); the canonical splice donor site of the intron after coding-DNA position 3171, G replaced by A.
Molecular consequence: splice donor variant.
Genome position (GRCh38, 1-based): chr3:142,549,478, C>T on the plus strand (G>A on the coding strand, the complement: ATR is on the minus strand). VCF-style: chr3-142549478-C-T. GRCh37 (hg19) VCF-style: chr3-142268320-C-T.
Other names: c.2979+1G>A (NM_001354579.2).
Identifiers: ClinVar variation 383171 (VCV000383171.2), dbSNP rs199731535, ClinGen allele CA16604819.
Genomic context (GRCh38, chr3:142,549,478, plus strand): 5'-ACATCTTTCCTATAATGCTAATTTATATAAAAAAGTAAAATATATAGAAATATTCAATTA[C>T]CTTCAGATAATGAAGGGCACGTTCTAATTCATCTTTGGAACAAGAACAGACCAAATGAGA-3'